The following is an entry in ClinVar:

ClinVar aggregate classification (germline): Likely benign (0 of 4 stars; one submission).

Conditions:
GAPVD1-related disorder. Also called: GAPVD1-related condition.

Allele frequency attached by ClinVar (database versions not stated): ExAC 0.00011; gnomAD exomes 0.00013; 1000 Genomes Project 0.00080; 1000 Genomes Project 30x 0.00094; gnomAD 0.00103; TOPMed 0.00119.
gnomAD v4.1: 342 of 1,612,856 alleles (0.021%); highest among the groups gnomAD compares: Admixed American, 0.53%; 1 homozygote.

Submission:

PreventionGenetics, part of Exact Sciences
Classification: Likely benign for GAPVD1-related condition. Last evaluated: 2022-05-05. Review status: no assertion criteria provided. Collection method: clinical testing. Allele origin: germline.
Comment: This variant is classified as likely benign based on ACMG/AMP sequence variant interpretation guidelines (Richards et al. 2015 PMID: 25741868, with internal and published modifications).

NM_001282680.3(GAPVD1):c.2253G>A (p.Thr751=)

Gene: GAPVD1 (GTPase activating protein and VPS9 domains 1; plus strand). Cytogenetic location: 9q33.3.
Variant type: single nucleotide variant.
Coding change: c.2253G>A on transcript NM_001282680.3 (MANE Select); coding-DNA position 2253, G replaced by A.
Protein change: p.Thr751=; no amino-acid change (threonine 751 retained).
Molecular consequence: synonymous variant. On other transcripts: non-coding transcript variant (2).
Genome position (GRCh38, 1-based): chr9:125,332,005, G>A. VCF-style: chr9-125332005-G-A. GRCh37 (hg19) VCF-style: chr9-128094284-G-A.
Other names: c.2253G>A, p.Thr751= (NM_001282679.2, NM_001330778.3, NM_001354294.2 and 6 more transcripts); c.2190G>A, p.Thr730= (NM_001282681.3, NM_001330777.3, NM_001354297.2 and 1 more transcripts).
Identifiers: ClinVar variation 3057525 (VCV003057525.2), dbSNP rs183996407, ClinGen allele CA5240376.